The following is an entry in ClinVar:

NM_004036.5(ADCY3):c.1235G>A (p.Arg412His)

Gene: ADCY3 (adenylate cyclase 3; minus strand). Cytogenetic location: 2p23.3.
Variant type: single nucleotide variant.
Coding change: c.1235G>A on transcript NM_004036.5 (MANE Select); coding-DNA position 1235, G replaced by A.
Protein change: p.Arg412His; replaces arginine 412 with histidine.
Molecular consequence: missense variant.
Genome position (GRCh38, 1-based): chr2:24,839,993, C>T on the plus strand (G>A on the coding strand, the complement: ADCY3 is on the minus strand). VCF-style: chr2-24839993-C-T. GRCh37 (hg19) VCF-style: chr2-25062862-C-T.
Other names: c.1235G>A, p.Arg412His (NM_001320613.2, NM_001377128.1, NM_001377129.1 and 2 more transcripts); c.512G>A, p.Arg171His (NM_001377131.1); short protein forms R171H, R412H.
Identifiers: ClinVar variation 3353135 (VCV003353135.2).

ClinVar aggregate classification (germline): Uncertain significance (1 of 4 stars; one submission).

Conditions:
ADCY3-related disorder. Also called: ADCY3-related condition.

gnomAD v4.1: 21 of 1,613,576 alleles (0.0013%); highest among the groups gnomAD compares: Non-Finnish European, 0.00042%; no homozygotes.

Submission:

PreventionGenetics, part of Exact Sciences
Classification: Uncertain significance for ADCY3-related condition. Last evaluated: 2026-03-21. Review status: criteria provided, single submitter. Criteria: ACMG Guidelines, 2015. Collection method: clinical testing. Allele origin: germline.
Comment: The ADCY3 c.1235G>A variant is predicted to result in the amino acid substitution p.Arg412His. To our knowledge, this variant has not been reported in the literature. This variant is reported in 0.024% of alleles in individuals of European (Finnish) descent in gnomAD. At this time, the clinical significance of this variant is uncertain due to the absence of conclusive functional and genetic evidence.